The following is an entry in ClinVar:

NM_012213.3(MLYCD):c.541G>A (p.Val181Met)

Gene: MLYCD (malonyl-CoA decarboxylase; plus strand). Cytogenetic location: 16q23.3.
Variant type: single nucleotide variant.
Coding change: c.541G>A on transcript NM_012213.3 (MANE Select); coding-DNA position 541, G replaced by A.
Protein change: p.Val181Met; replaces valine 181 with methionine.
Molecular consequence: missense variant.
Genome position (GRCh38, 1-based): chr16:83,906,999, G>A. VCF-style: chr16-83906999-G-A. GRCh37 (hg19) VCF-style: chr16-83940604-G-A.
Other names: short protein forms V181M.
Identifiers: ClinVar variation 460445 (VCV000460445.18), dbSNP rs147617160, ClinGen allele CA8197279.

ClinVar aggregate classification (germline): Benign/Likely benign. Review status: criteria provided, multiple submitters, no conflicts (2 of 4 stars). 3 submissions from 3 submitters: Benign (2); Likely benign (1). Last evaluated 2026-01-15.

Conditions:
Deficiency of malonyl-CoA decarboxylase. Also called: Malonic aciduria; MCD deficiency. Identifiers: Orphanet 943, MedGen C0342793, MONDO:0009556, OMIM 248360.

Allele frequency attached by ClinVar (database versions not stated): ESP Exome Variant Server 0.00008; gnomAD 0.00061 and 0.00072; TOPMed 0.00062; ExAC 0.00103; gnomAD exomes 0.00129; 1000 Genomes Project 0.00359; 1000 Genomes Project 30x 0.00359.
gnomAD v4.1: 548 of 1,614,024 alleles (0.034%); highest among the groups gnomAD compares: East Asian, 0.93%; 5 homozygotes.

Submissions (3):

Labcorp Genetics (formerly Invitae), Labcorp
Classification: Benign for Deficiency of malonyl-CoA decarboxylase. Last evaluated: 2026-01-15. Review status: criteria provided, single submitter. Criteria: Invitae Variant Classification Sherloc (09022015). Collection method: clinical testing. Allele origin: germline.

Blueprint Genetics
Classification: Likely benign. Last evaluated: 2024-11-27. Review status: criteria provided, single submitter. Criteria: ACMG Guidelines, 2015. Collection method: clinical testing. Allele origin: germline.

Illumina Laboratory Services, Illumina
Classification: Benign for Deficiency of malonyl-CoA decarboxylase. Last evaluated: 2018-01-13. Review status: criteria provided, single submitter. Criteria: ICSL Variant Classification Criteria 13 December 2019. Collection method: clinical testing. Allele origin: germline.
Comment: This variant was observed in the ICSL laboratory as part of a predisposition screen in an ostensibly healthy population. It had not been previously curated by ICSL or reported in the Human Gene Mutation Database (HGMD: prior to June 1st, 2018), and was therefore a candidate for classification through an automated scoring system. Utilizing variant allele frequency, disease prevalence and penetrance estimates, and inheritance mode, an automated score was calculated to assess if this variant is too frequent to cause the disease. Based on the score and internal cut-off values, a variant classified as benign is not then subjected to further curation. The score for this variant resulted in a classification of benign for this disease.